The following is an entry in ClinVar:

ClinVar aggregate classification (germline): Pathogenic/Likely pathogenic. Review status: criteria provided, multiple submitters, no conflicts (2 of 4 stars). 2 submissions from 2 submitters: Pathogenic (1); Likely pathogenic (1). Last evaluated 2025-11-03.

Conditions:
ALG6-congenital disorder of glycosylation 1C (CDG1C). Also called: Congenital disorder of glycosylation type 1C; Congenital disorder of glycosylation, type Ic; CARBOHYDRATE-DEFICIENT GLYCOPROTEIN SYNDROME, TYPE I, WITH DEFICIENT GLYCOSYLATION OF DOLICHOL-LINKED OLIGOSACCHARIDE; CARBOHYDRATE-DEFICIENT GLYCOPROTEIN SYNDROME, TYPE V; CDG Ic. Identifiers: Orphanet 79320, MedGen C2930997, MONDO:0011291, OMIM 603147.

Submissions (2):

Natera, Inc.
Classification: Likely pathogenic for Congenital disorder of glycosylation type 1c. Last evaluated: 2025-11-03. Review status: criteria provided, single submitter. Criteria: Natera Variant Classification Schema (03/2026). Collection method: clinical testing. Allele origin: germline.
Comment: The c.146_147delTT variant in ALG6 is a frameshift variant predicted to shift the reading frame and introduce a stop codon. This variant is expected to result in nonsense mediated decay, truncation, or a dysfunctional protein product. This variant is rare in the general population with a frequency below the threshold expected for the associated phenotype(s). Given the available evidence, this variant is classified as Likely Pathogenic.

Labcorp Genetics (formerly Invitae), Labcorp
Classification: Pathogenic for ALG6-congenital disorder of glycosylation 1C. Last evaluated: 2025-02-02. Review status: criteria provided, single submitter. Criteria: Invitae Variant Classification Sherloc (09022015). Collection method: clinical testing. Allele origin: germline.
Comment: This sequence change creates a premature translational stop signal (p.Phe49*) in the ALG6 gene. It is expected to result in an absent or disrupted protein product. Loss-of-function variants in ALG6 are known to be pathogenic (PMID: 19862844). This variant is present in population databases (rs756566938, gnomAD 0.009%). This variant has not been reported in the literature in individuals affected with ALG6-related conditions. ClinVar contains an entry for this variant (Variation ID: 651010). For these reasons, this variant has been classified as Pathogenic.

Literature cited by the submitters: PubMed 19862844 (cited by Labcorp Genetics (formerly Invitae), Labcorp).

NM_013339.4(ALG6):c.146_147del (p.Thr48_Phe49insTer)

Gene: ALG6 (ALG6 alpha-1,3-glucosyltransferase; plus strand). Cytogenetic location: 1p31.3.
Variant type: Deletion.
Coding change: c.146_147del on transcript NM_013339.4 (MANE Select); coding-DNA positions 146 to 147, 2 bases deleted (TT; older notation c.146_147delTT).
Protein change: p.Thr48_Phe49insTer.
Molecular consequence: nonsense.
Genome position (GRCh38, 1-based): chr1:63,396,576-63,396,577, TT deleted; deleting any 2 consecutive bases within chr1:63,396,574-63,396,577 gives the same sequence; the c. name uses the placement nearest the transcript's 3' end. VCF-style (leftmost placement, unchanged base first): chr1-63396573-CTT-C. GRCh37 (hg19) VCF-style: chr1-63862244-CTT-C.
Other names: c.146_147del, p.Thr48_Phe49insTer (LRG_1260t1).
Identifiers: ClinVar variation 651010 (VCV000651010.10), dbSNP rs756566938, ClinGen allele CA888068.